The following is an entry in ClinVar:

NM_004407.4(DMP1):c.403G>T (p.Gly135Ter)

Genes: DMP1 (dentin matrix acidic phosphoprotein 1; plus strand), DMP1-AS1 (DMP1 and DSPP antisense RNA 1; minus strand). Cytogenetic location: 4q22.1.
Variant type: single nucleotide variant.
Coding change: c.403G>T on transcript NM_004407.4 (MANE Select); coding-DNA position 403, G replaced by T.
Protein change: p.Gly135Ter; replaces glycine 135 with a stop codon.
Molecular consequence: nonsense.
Genome position (GRCh38, 1-based): chr4:87,662,181, G>T. VCF-style: chr4-87662181-G-T. GRCh37 (hg19) VCF-style: chr4-88583333-G-T.
Other names: c.355G>T, p.Gly119Ter (NM_001079911.3); short protein forms G119*, G135*.
Identifiers: ClinVar variation 3591292 (VCV003591292.2).
Genomic context (GRCh38, chr4:87,662,181, plus strand): 5'-GGTGACGATGACAGTGGCCCAGGGCCCAAAGACAGACAAGAAGGAGGAAACTCCAGACTG[G>T]GAAGTGATGAGGACTCTGATGACACCATACAAGCCAGTGAAGAGAGTGCCCCACAAGGGC-3'

ClinVar aggregate classification (germline): Pathogenic/Likely pathogenic. Review status: criteria provided, multiple submitters, no conflicts (2 of 4 stars). 2 submissions from 2 submitters: Pathogenic (1); Likely pathogenic (1). Last evaluated 2025-02-04.

Conditions:
Hypophosphatemic rickets, autosomal recessive, 1 (ARHR1). Also called: HYPOPHOSPHATEMIA, AUTOSOMAL RECESSIVE. Identifiers: Orphanet 289176, MedGen C4551495, MONDO:0009430, OMIM 241520. Disease mechanism: loss of function.

gnomAD v4.1: 55 of 1,614,092 alleles (0.0034%); highest among the groups gnomAD compares: Non-Finnish European, 0.0047%; no homozygotes.

Submissions (2):

Labcorp Genetics (formerly Invitae), Labcorp
Classification: Pathogenic. Last evaluated: 2025-02-04. Review status: criteria provided, single submitter. Criteria: Invitae Variant Classification Sherloc (09022015). Collection method: clinical testing. Allele origin: germline.
Comment: This sequence change creates a premature translational stop signal (p.Gly135*) in the DMP1 gene. While this is not anticipated to result in nonsense mediated decay, it is expected to disrupt the last 379 amino acid(s) of the DMP1 protein. This variant is present in population databases (no rsID available, gnomAD 0.002%). This variant has not been reported in the literature in individuals affected with DMP1-related conditions. This variant disrupts a region of the DMP1 protein in which other variant(s) (p.Glu179Argfs*54) have been determined to be pathogenic (PMID: 19796717; internal data). This suggests that this is a clinically significant region of the protein, and that variants that disrupt it are likely to be disease-causing. For these reasons, this variant has been classified as Pathogenic.

Fulgent Genetics
Classification: Likely pathogenic for Hypophosphatemic rickets, autosomal recessive, 1. Last evaluated: 2024-04-10. Review status: criteria provided, single submitter. Criteria: ACMG Guidelines, 2015. Collection method: clinical testing. Allele origin: germline.

Literature cited by the submitters: PubMed 19796717 (cited by Labcorp Genetics (formerly Invitae), Labcorp).